The following is an entry in ClinVar:

ClinVar aggregate classification (germline): Uncertain significance (1 of 4 stars; one submission).

Conditions:
Familial thoracic aortic aneurysm and aortic dissection (TAAD). Also called: Thoracic aortic aneurysms and dissections. Identifiers: Orphanet 91387, MedGen C4707243, MONDO:0019625.

Allele frequency attached by ClinVar (database versions not stated): TOPMed below 0.00001.

Submission:

Ambry Genetics
Classification: Uncertain significance for Familial thoracic aortic aneurysm and aortic dissection. Last evaluated: 2023-10-19. Review status: criteria provided, single submitter. Criteria: Ambry Variant Classification Scheme 2023. Collection method: clinical testing. Allele origin: germline.
Comment: The p.N312S variant (also known as c.935A>G), located in coding exon 6 of the TGFB2 gene, results from an A to G substitution at nucleotide position 935. The asparagine at codon 312 is replaced by serine, an amino acid with highly similar properties. This amino acid position is conserved. In addition, this alteration is predicted to be tolerated by in silico analysis. Since supporting evidence is limited at this time, the clinical significance of this alteration remains unclear.

NM_003238.6(TGFB2):c.935A>G (p.Asn312Ser)

Gene: TGFB2 (transforming growth factor beta 2; plus strand). Cytogenetic location: 1q41.
Variant type: single nucleotide variant.
Coding change: c.935A>G on transcript NM_003238.6 (MANE Select); coding-DNA position 935, A replaced by G.
Protein change: p.Asn312Ser; replaces asparagine 312 with serine.
Molecular consequence: missense variant. On other transcripts: non-coding transcript variant (2).
Genome position (GRCh38, 1-based): chr1:218,437,345, A>G. VCF-style: chr1-218437345-A-G. GRCh37 (hg19) VCF-style: chr1-218610687-A-G.
Other names: c.1019A>G, p.Asn340Ser (NM_001135599.4); short protein forms N312S, N340S.
Identifiers: ClinVar variation 3223147 (VCV003223147.1), dbSNP rs1660003781, ClinGen allele CA344727392.